The following is an entry in ClinVar:

ClinVar aggregate classification (germline): Uncertain significance. Review status: criteria provided, multiple submitters, no conflicts (2 of 4 stars). 5 submissions from 5 submitters: Uncertain significance (4). 1 of the submissions does not count toward it. Last evaluated 2025-12-01.

Conditions:
CFTR-related disorder (CFTR-RD). Also called: CFTR-related condition; CFTR-related disorders. Identifiers: MedGen C5924204, MONDO:7770004.
Cystic fibrosis (CF). Also called: MUCOVISCIDOSIS. Identifiers: Orphanet 586, MedGen C0010674, MONDO:0009061, OMIM 219700. Disease mechanism: loss of function.

Allele frequency attached by ClinVar (database versions not stated): ExAC 0.00002; TOPMed below 0.00001; gnomAD 0.00001; gnomAD exomes 0.00002; ESP Exome Variant Server 0.00008.
gnomAD v4.1: 23 of 1,613,960 alleles (0.0014%); highest among the groups gnomAD compares: African/African-American, 0.0027%; no homozygotes.

Submissions (5):

Women's Health and Genetics/Laboratory Corporation of America, LabCorp
Classification: Uncertain significance. Last evaluated: 2025-12-01. Review status: criteria provided, single submitter. Criteria: LabCorp Variant Classification Summary - May 2015. Collection method: clinical testing. Allele origin: germline.
Comment: Variant summary: CFTR c.980T>G (p.Leu327Arg) results in a non-conservative amino acid change located in the first transmembrane domain (IPR011527) of the encoded protein sequence. Algorithms developed to predict the effect of missense changes on protein structure and function all suggest that this variant is likely to be disruptive. The variant allele was found at a frequency of 1.6e-05 in 251290 control chromosomes. The available data on variant occurrences in the general population are insufficient to allow any conclusion about variant significance. c.980T>G has been reported in the literature in a family where 2 individuals carrying the variant were affected with Chronic Pancreatitis, and a third family member who didn't carry the variant was unaffected, however only 2 variants in the PRSS1 gene were tested, and other genes associated with chronic pancreatitis risk were not tested (Ravnik-Glavac_1996, Ravnik-Glavac_2000). Therefore these reports do not provide unequivocal conclusions about association of the variant with Chronic Pancreatitis Risk. To our knowledge, no experimental evidence demonstrating an impact on protein function has been reported. To our knowledge, no experimental evidence demonstrating an impact on protein function has been reported. The following publications have been ascertained in the context of this evaluation (PMID: 10909845, 8992448, 10653140, 11276378, 28176071). ClinVar contains an entry for this variant (Variation ID: 917638). Based on the evidence outlined above, the variant was classified as uncertain significance.

Ambry Genetics
Classification: Uncertain significance for Cystic fibrosis. Last evaluated: 2025-07-18. Review status: criteria provided, single submitter. Criteria: Ambry Variant Classification Scheme 2023. Collection method: clinical testing. Allele origin: germline.
Comment: The p.L327R variant (also known as c.980T>G), located in coding exon 8 of the CFTR gene, results from a T to G substitution at nucleotide position 980. The leucine at codon 327 is replaced by arginine, an amino acid with dissimilar properties. Co-segregation was reported in a family with hereditary pancreatitis in two affected individuals, and the alteration was not detected in one unaffected individual (Ravnik-Glavac M, Pflugers Arch. 1996 ; 431(6 Suppl 2):R191-2; Ravnik-Glavac et al. Pflugers Arch. 2000 ;439(3 Suppl):R50-2). This amino acid position is not well conserved in available vertebrate species. In addition, this alteration is predicted to be deleterious by in silico analysis. Since supporting evidence is limited at this time, the clinical significance of this alteration remains unclear.

Genome-Nilou Lab
Classification: Uncertain significance for Cystic fibrosis. Last evaluated: 2021-09-05. Review status: criteria provided, single submitter. Criteria: ACMG Guidelines, 2015. Collection method: clinical testing. Allele origin: germline. Affected: no.

Labcorp Genetics (formerly Invitae), Labcorp
Classification: Uncertain significance for Cystic fibrosis. Last evaluated: 2021-09-01. Review status: criteria provided, single submitter. Criteria: Invitae Variant Classification Sherloc (09022015). Collection method: clinical testing. Allele origin: germline.
Comment: This sequence change replaces leucine with arginine at codon 327 of the CFTR protein (p.Leu327Arg). The leucine residue is moderately conserved and there is a moderate physicochemical difference between leucine and arginine. This variant is present in population databases (rs141115171, ExAC 0.004%). This missense change has been observed in individual(s) with hereditary pancreatitis (PMID: 8992448). Algorithms developed to predict the effect of missense changes on protein structure and function are either unavailable or do not agree on the potential impact of this missense change (SIFT: "Tolerated"; PolyPhen-2: "Probably Damaging"; Align-GVGD: "Class C0"). In summary, the available evidence is currently insufficient to determine the role of this variant in disease. Therefore, it has been classified as a Variant of Uncertain Significance.

Natera, Inc.
Classification: Uncertain significance for CFTR-related disorders. Last evaluated: 2018-05-12. Review status: no assertion criteria provided. Collection method: clinical testing. Allele origin: germline. Not counted in ClinVar's aggregate classification.

Literature cited by the submitters: PubMed 10909845 (cited by Women's Health and Genetics/Laboratory Corporation of America, LabCorp); PubMed 8992448 (cited by 3 submitters); PubMed 10653140 (cited by Women's Health and Genetics/Laboratory Corporation of America, LabCorp and Ambry Genetics); PubMed 11276378 (cited by Women's Health and Genetics/Laboratory Corporation of America, LabCorp).

NM_000492.4(CFTR):c.980T>G (p.Leu327Arg)

Gene: CFTR (CF transmembrane conductance regulator; plus strand). Cytogenetic location: 7q31.2.
Variant type: single nucleotide variant.
Coding change: c.980T>G on transcript NM_000492.4 (MANE Select); coding-DNA position 980, T replaced by G.
Protein change: p.Leu327Arg; replaces leucine 327 with arginine.
Molecular consequence: missense variant.
Genome position (GRCh38, 1-based): chr7:117,540,210, T>G. VCF-style: chr7-117540210-T-G. GRCh37 (hg19) VCF-style: chr7-117180264-T-G.
Other names: short protein forms L327R.
Identifiers: ClinVar variation 917638 (VCV000917638.15), dbSNP rs141115171, ClinGen allele CA4450875.